The following is an entry in ClinVar:

ClinVar aggregate classification (germline): Uncertain significance (1 of 4 stars; one submission).

Submission:

CeGaT Center for Human Genetics Tuebingen
Classification: Uncertain significance. Last evaluated: 2026-08-01. Review status: criteria provided, single submitter. Criteria: CeGaT Center For Human Genetics Tuebingen Variant Classification Criteria Version 2. Collection method: clinical testing. Allele origin: germline. Affected: yes. Observed: 1 variant allele.
Comment: PLEC: PM2

NM_201384.3(PLEC):c.13095G>T (p.Lys4365Asn)

Gene: PLEC (plectin; minus strand). Cytogenetic location: 8q24.3.
Variant type: single nucleotide variant.
Coding change: c.13095G>T on transcript NM_201384.3 (MANE Select); coding-DNA position 13095, G replaced by T.
Protein change: p.Lys4365Asn; replaces lysine 4365 with asparagine.
Molecular consequence: missense variant.
Genome position (GRCh38, 1-based): chr8:143,916,726, C>A on the plus strand (G>T on the coding strand, the complement: PLEC is on the minus strand). VCF-style: chr8-143916726-C-A. GRCh37 (hg19) VCF-style: chr8-144990894-C-A.
Other names: c.13176G>T, p.Lys4392Asn (NM_000445.5); c.9795G>T, p.Lys3265Asn (NM_001410941.1); c.13053G>T, p.Lys4351Asn (NM_201378.4); c.13029G>T, p.Lys4343Asn (NM_201379.3); c.13506G>T, p.Lys4502Asn (NM_201380.4); c.12999G>T, p.Lys4333Asn (NM_201381.3); c.13095G>T, p.Lys4365Asn (NM_201382.4); c.13107G>T, p.Lys4369Asn (NM_201383.3); short protein forms K3265N, K4333N, K4343N, K4351N, K4365N, K4369N, K4392N, K4502N.
Identifiers: ClinVar variation 5040625 (VCV005040625.1).